The following is an entry in ClinVar:

ClinVar aggregate classification (germline): Likely pathogenic (1 of 4 stars; one submission).

Conditions:
Dilated cardiomyopathy 1G (CMD1G). Identifiers: Orphanet 154, MedGen C1858763, MONDO:0011400, OMIM 604145.
Autosomal recessive limb-girdle muscular dystrophy type 2J (LGMDR10). Also called: Limb-girdle muscular dystrophy, type 2J; MUSCULAR DYSTROPHY, LIMB-GIRDLE, AUTOSOMAL RECESSIVE 10. Identifiers: Orphanet 140922, MedGen C1837342, MONDO:0012127, OMIM 608807.

Allele frequency attached by ClinVar (database versions not stated): gnomAD exomes below 0.00001; gnomAD 0.00001; TOPMed 0.00002.
gnomAD v4.1: 3 of 1,613,072 alleles (0.00019%); highest among the groups gnomAD compares: Non-Finnish European, 0.00025%; no homozygotes.

Submission:

Labcorp Genetics (formerly Invitae), Labcorp
Classification: Likely pathogenic for Dilated cardiomyopathy 1G; Autosomal recessive limb-girdle muscular dystrophy type 2J. Last evaluated: 2025-06-08. Review status: criteria provided, single submitter. Criteria: Invitae Variant Classification Sherloc (09022015). Collection method: clinical testing. Allele origin: germline.
Comment: This sequence change affects an acceptor splice site in intron 130 of the TTN gene. It is expected to disrupt RNA splicing and likely results in a truncated or disrupted TTN protein. This variant is not present in population databases (gnomAD no frequency). This variant has not been observed in the literature in individuals with autosomal recessive TTN-related conditions. This variant has been reported in individual(s) with autosomal dominant dilated cardiomyopathy (internal data); however, the role of the variant in this condition is currently unclear. ClinVar contains an entry for this variant (Variation ID: 574354). Algorithms developed to predict the effect of sequence changes on RNA splicing suggest that this variant may disrupt the consensus splice site. This variant is located in the I band of TTN (PMID: 25589632). Truncating variants in this region have been reported in individuals affected with autosomal recessive centronuclear myopathy (PMID: 23975875, internal data). Truncating variants in this region have also been identified in individuals affected with autosomal dominant dilated cardiomyopathy and/or cardio-related conditions (PMID: 27869827, 32964742, internal data). In summary, the currently available evidence indicates that the variant is pathogenic, but additional data are needed to prove that conclusively. Therefore, this variant has been classified as Likely Pathogenic.

Literature cited by the submitters: PubMed 25589632; PubMed 23975875; PubMed 27869827; PubMed 32964742.

NM_001267550.2(TTN):c.32555-1G>A

Gene: TTN (titin; minus strand). Cytogenetic location: 2q31.2.
Variant type: single nucleotide variant.
Coding change: c.32555-1G>A on transcript NM_001267550.2 (MANE Select); the canonical splice acceptor site of the intron before coding-DNA position 32555, G replaced by A.
Molecular consequence: splice acceptor variant. On other transcripts: intron variant (3).
Genome position (GRCh38, 1-based): chr2:178,684,750, C>T on the plus strand (G>A on the coding strand, the complement: TTN is on the minus strand). VCF-style: chr2-178684750-C-T. GRCh37 (hg19) VCF-style: chr2-179549477-C-T.
Other names: c.13283-42433G>A (NM_003319.4); c.13859-42433G>A (NM_133437.4); c.13658-42433G>A (NM_133432.3); c.28823-1G>A (NM_133378.4); c.31604-1G>A (NM_001256850.1).
Identifiers: ClinVar variation 574354 (VCV000574354.7), dbSNP rs932486601, ClinGen allele CA60985257.
Genomic context (GRCh38, chr2:178,684,750, plus strand): 5'-TCTTAATGACTTTTGGAGGAACCTTTTTTTCTGGAACTGGTTTCTTTGGCTCTTCTGGCA[C>T]TTAAAAGATACCAGGCAATACCATCAAACATACGATATGGAAAACACTAAACACAGGCAC-3'